The following is an entry in ClinVar:

ClinVar aggregate classification (germline): Benign/Likely benign. Review status: criteria provided, multiple submitters, no conflicts (2 of 4 stars). 12 submissions from 11 submitters: Benign (6); Likely benign (5). 1 of the submissions does not count toward it. Last evaluated 2026-02-01.

Conditions:
Ehlers-Danlos syndrome, classic type, 1 (EDSCL1). Also called: EDS I; EHLERS-DANLOS SYNDROME, GRAVIS TYPE; EHLERS-DANLOS SYNDROME, SEVERE CLASSIC TYPE; Ehlers-Danlos Syndrome, Classic Type, COL5A1-Related; Ehlers-Danlos syndrome, type 1. Identifiers: MedGen C0268335, MONDO:0019567, OMIM 130000.
Osteogenesis imperfecta type I (OI1). Also called: Osteogenesis imperfecta type 1; OI, TYPE I; OSTEOGENESIS IMPERFECTA TARDA; OSTEOGENESIS IMPERFECTA WITH BLUE SCLERAE; Lobstein disease; Classic Non-deforming Osteogenesis Imperfecta with Blue Sclerae. Identifiers: Orphanet 216796, Orphanet 666, MedGen C0023931, MONDO:0008146, OMIM 166200. Disease mechanism: loss of function.
Combined osteogenesis imperfecta and Ehlers-Danlos syndrome 2. Also called: OIEDS SYNDROME 2. Identifiers: MedGen C5436847, MONDO:0030855, OMIM 619120.
Osteoporosis. Identifiers: MedGen C0029456, MONDO:0005298, OMIM 166710, HP:0000939.
Osteogenesis imperfecta type III (OI3). Also called: Osteogenesis imperfecta type 3; OI type 3; Osteogenesis imperfecta, progressively deforming with normal sclerae; OI type III; Progressively Deforming Osteogenesis Imperfecta. Identifiers: Orphanet 216812, Orphanet 666, MedGen C0268362, MONDO:0009804, OMIM 259420.
Osteogenesis imperfecta, perinatal lethal (OI2). Also called: OSTEOGENESIS IMPERFECTA, TYPE II; OI, TYPE II; OSTEOGENESIS IMPERFECTA CONGENITA; Osteogenesis imperfecta, dominant perinatal lethal; VROLIK TYPE OF OSTEOGENESIS IMPERFECTA; Osteogenesis imperfecta type 2. Identifiers: Orphanet 216804, MedGen C0268358, MONDO:0008147, OMIM 166210.
Ehlers-Danlos syndrome, arthrochalasia type, 2. Also called: EHLERS-DANLOS SYNDROME, TYPE VIIB, AUTOSOMAL DOMINANT. Identifiers: MedGen CN293783, MONDO:0040501, OMIM 617821.
Ehlers-Danlos syndrome, cardiac valvular type. Identifiers: Orphanet 230851, MedGen C4303789, MONDO:0009159, OMIM 225320.
Osteogenesis imperfecta with normal sclerae, dominant form (OI4). Also called: Osteogenesis imperfecta type 4; OSTEOGENESIS IMPERFECTA WITH NORMAL SCLERAE; Osteogenesis Imperfecta Type IV; Common Variable Osteogenesis Imperfecta with Normal Sclerae; OSTEOGENESIS IMPERFECTA, TYPE IV, WITH DENTINOGENESIS IMPERFECTA. Identifiers: Orphanet 216820, Orphanet 666, MedGen C0268363, MONDO:0008148, OMIM 166220.
COL1A2-related disorder. Also called: COL1A2-Related Disorders; COL1A2-related condition.
Cardiovascular phenotype. Identifiers: MedGen CN230736.
Osteogenesis imperfecta (OI). Identifiers: Orphanet 666, MedGen C0029434, MeSH D010013, MONDO:0019019.

Allele frequency attached by ClinVar (database versions not stated): gnomAD exomes 0.00025 and 0.00051; ExAC 0.00066; ESP Exome Variant Server 0.00108; gnomAD 0.00114 and 0.00120; TOPMed 0.00121; 1000 Genomes Project 0.00200; 1000 Genomes Project 30x 0.00203.
gnomAD v4.1: 535 of 1,612,824 alleles (0.033%); highest among the groups gnomAD compares: African/African-American, 0.34%; 1 homozygote.

Submissions (12):

Labcorp Genetics (formerly Invitae), Labcorp
Classification: Benign for Osteogenesis imperfecta type I; Ehlers-Danlos syndrome, classic type, 1. Last evaluated: 2026-02-01. Review status: criteria provided, single submitter. Criteria: Invitae Variant Classification Sherloc (09022015). Collection method: clinical testing. Allele origin: germline.

Women's Health and Genetics/Laboratory Corporation of America, LabCorp
Classification: Benign. Last evaluated: 2024-12-06. Review status: criteria provided, single submitter. Criteria: LabCorp Variant Classification Summary - May 2015. Collection method: clinical testing. Allele origin: germline.

ARUP Laboratories, Molecular Genetics and Genomics, ARUP Laboratories
Classification: Benign. Last evaluated: 2024-06-03. Review status: criteria provided, single submitter. Criteria: ARUP Molecular Germline Variant Investigation Process 2024. Collection method: clinical testing. Allele origin: germline.

Blueprint Genetics
Classification: Likely benign. Last evaluated: 2023-12-14. Review status: criteria provided, single submitter. Criteria: ACMG Guidelines, 2015. Collection method: clinical testing. Allele origin: germline.

CeGaT Center for Human Genetics Tuebingen
Classification: Likely benign. Last evaluated: 2023-02-01. Review status: criteria provided, single submitter. Criteria: CeGaT Center For Human Genetics Tuebingen Variant Classification Criteria Version 2. Collection method: clinical testing. Allele origin: germline. Affected: yes. Observed: 1 variant allele.
Comment: COL1A2: BP4, BP7

Fulgent Genetics
Classification: Likely benign for Osteogenesis imperfecta, perinatal lethal; Osteogenesis imperfecta with normal sclerae, dominant form; Osteoporosis; Ehlers-Danlos syndrome, cardiac valvular type; Osteogenesis imperfecta type III; Ehlers-Danlos syndrome, arthrochalasia type, 2; Combined osteogenesis imperfecta and Ehlers-Danlos syndrome 2. Last evaluated: 2021-09-16. Review status: criteria provided, single submitter. Criteria: ACMG Guidelines, 2015. Collection method: clinical testing. Allele origin: unknown.

Ambry Genetics
Classification: Benign for Cardiovascular phenotype. Last evaluated: 2021-07-19. Review status: criteria provided, single submitter. Criteria: Ambry Variant Classification Scheme 2023. Collection method: clinical testing. Allele origin: germline.

Genome Diagnostics Laboratory, The Hospital for Sick Children
Classification: Likely benign for Osteogenesis imperfecta. Last evaluated: 2020-11-09. Review status: criteria provided, single submitter. Criteria: ACMG Guidelines, 2015. Collection method: clinical testing. Allele origin: germline.

Illumina Laboratory Services, Illumina
Classification: Benign for Osteogenesis imperfecta. Last evaluated: 2018-01-13. Review status: criteria provided, single submitter. Criteria: ICSL Variant Classification Criteria 13 December 2019. Collection method: clinical testing. Allele origin: germline.
Comment: This variant was observed in the ICSL laboratory as part of a predisposition screen in an ostensibly healthy population. It had not been previously curated by ICSL or reported in the Human Gene Mutation Database (HGMD: prior to June 1st, 2018), and was therefore a candidate for classification through an automated scoring system. Utilizing variant allele frequency, disease prevalence and penetrance estimates, and inheritance mode, an automated score was calculated to assess if this variant is too frequent to cause the disease. Based on the score and internal cut-off values, a variant classified as benign is not then subjected to further curation. The score for this variant resulted in a classification of benign for this disease.

Illumina Laboratory Services, Illumina
Classification: Benign for Ehlers-Danlos syndrome, arthrochalasia type, 2. Last evaluated: 2018-01-13. Review status: criteria provided, single submitter. Criteria: ICSL Variant Classification Criteria 13 December 2019. Collection method: clinical testing. Allele origin: germline.
Comment: the same text as in the submission from Illumina Laboratory Services, Illumina above.

GeneDx
Classification: Likely benign. Last evaluated: 2018-01-08. Review status: criteria provided, single submitter. Criteria: GeneDx Variant Classification (06012015). Collection method: clinical testing. Allele origin: germline. Affected: yes.
Comment: This variant is considered likely benign or benign based on one or more of the following criteria: it is a conservative change, it occurs at a poorly conserved position in the protein, it is predicted to be benign by multiple in silico algorithms, and/or has population frequency not consistent with disease.

PreventionGenetics, part of Exact Sciences
Classification: Likely benign for COL1A2-related condition. Last evaluated: 2019-04-17. Review status: no assertion criteria provided. Collection method: clinical testing. Allele origin: germline. Not counted in ClinVar's aggregate classification.
Comment: This variant is classified as likely benign based on ACMG/AMP sequence variant interpretation guidelines (Richards et al. 2015 PMID: 25741868, with internal and published modifications).

NM_000089.4(COL1A2):c.1383C>T (p.Pro461=)

Gene: COL1A2 (collagen type I alpha 2 chain; plus strand). Cytogenetic location: 7q21.3.
Variant type: single nucleotide variant.
Coding change: c.1383C>T on transcript NM_000089.4 (MANE Select); coding-DNA position 1383, C replaced by T.
Protein change: p.Pro461=; no amino-acid change (proline 461 retained).
Molecular consequence: synonymous variant.
Genome position (GRCh38, 1-based): chr7:94,412,100, C>T. VCF-style: chr7-94412100-C-T. GRCh37 (hg19) VCF-style: chr7-94041412-C-T.
Identifiers: ClinVar variation 35936 (VCV000035936.50), dbSNP rs139726213, ClinGen allele CA260341.